The following is an entry in ClinVar:

ClinVar aggregate classification (germline): Uncertain significance. Review status: criteria provided, multiple submitters, no conflicts (2 of 4 stars). 2 submissions from 2 submitters: Uncertain significance (2). Last evaluated 2023-12-27.

Conditions:
Inborn genetic diseases. Identifiers: MedGen C0950123, MeSH D030342.
Compton-North congenital myopathy (CMYO12). Identifiers: Orphanet 210163, MedGen C2675527, MONDO:0012929, OMIM 612540.

Allele frequency attached by ClinVar (database versions not stated): ExAC 0.00002; gnomAD exomes 0.00002 and 0.00004; gnomAD 0.00006 and 0.00007; TOPMed 0.00009.
gnomAD v4.1: 67 of 1,613,958 alleles (0.0042%); highest among the groups gnomAD compares: Admixed American, 0.013%; no homozygotes.

Submissions (2):

Ambry Genetics
Classification: Uncertain significance for Inborn genetic diseases. Last evaluated: 2023-12-27. Review status: criteria provided, single submitter. Criteria: Ambry Variant Classification Scheme 2023. Collection method: clinical testing. Allele origin: germline.

Labcorp Genetics (formerly Invitae), Labcorp
Classification: Uncertain significance for Compton-North congenital myopathy. Last evaluated: 2022-06-27. Review status: criteria provided, single submitter. Criteria: Invitae Variant Classification Sherloc (09022015). Collection method: clinical testing. Allele origin: germline.
Comment: This sequence change replaces lysine, which is basic and polar, with arginine, which is basic and polar, at codon 105 of the CNTN1 protein (p.Lys105Arg). This variant is present in population databases (rs773305634, gnomAD 0.006%). This variant has not been reported in the literature in individuals affected with CNTN1-related conditions. ClinVar contains an entry for this variant (Variation ID: 537190). Advanced modeling of protein sequence and biophysical properties (such as structural, functional, and spatial information, amino acid conservation, physicochemical variation, residue mobility, and thermodynamic stability) performed at Invitae indicates that this missense variant is not expected to disrupt CNTN1 protein function. Algorithms developed to predict the effect of sequence changes on RNA splicing suggest that this variant may create or strengthen a splice site. In summary, the available evidence is currently insufficient to determine the role of this variant in disease. Therefore, it has been classified as a Variant of Uncertain Significance.

NM_001843.4(CNTN1):c.314A>G (p.Lys105Arg)

Gene: CNTN1 (contactin 1; plus strand). Cytogenetic location: 12q12.
Variant type: single nucleotide variant.
Coding change: c.314A>G on transcript NM_001843.4 (MANE Select); coding-DNA position 314, A replaced by G.
Protein change: p.Lys105Arg; replaces lysine 105 with arginine.
Molecular consequence: missense variant.
Genome position (GRCh38, 1-based): chr12:40,922,342, A>G. VCF-style: chr12-40922342-A-G. GRCh37 (hg19) VCF-style: chr12-41316144-A-G.
Other names: c.314A>G (NM_001843.2); c.314A>G, p.Lys105Arg (NM_001256063.2, NM_001256064.2); c.281A>G, p.Lys94Arg (NM_175038.2); short protein forms K105R, K94R.
Identifiers: ClinVar variation 537190 (VCV000537190.8), dbSNP rs773305634, ClinGen allele CA6516579.